The following is an entry in ClinVar:

ClinVar aggregate classification (germline): Uncertain significance (1 of 4 stars; one submission).

Allele frequency attached by ClinVar (database versions not stated): TOPMed 0.00001.
gnomAD v4.1: 1 of 1,613,652 alleles (0.000062%); highest among the groups gnomAD compares: Non-Finnish European, 0.000085%; no homozygotes.

Submission:

Labcorp Genetics (formerly Invitae), Labcorp
Classification: Uncertain significance. Last evaluated: 2022-08-09. Review status: criteria provided, single submitter. Criteria: Invitae Variant Classification Sherloc (09022015). Collection method: clinical testing. Allele origin: germline.
Comment: Algorithms developed to predict the effect of missense changes on protein structure and function (SIFT, PolyPhen-2, Align-GVGD) all suggest that this variant is likely to be tolerated. ClinVar contains an entry for this variant (Variation ID: 1448470). This variant has not been reported in the literature in individuals affected with FBXO11-related conditions. This variant is not present in population databases (gnomAD no frequency). This sequence change replaces histidine, which is basic and polar, with glutamine, which is neutral and polar, at codon 252 of the FBXO11 protein (p.His252Gln). Algorithms developed to predict the effect of sequence changes on RNA splicing suggest that this variant may create or strengthen a splice site. In summary, the available evidence is currently insufficient to determine the role of this variant in disease. Therefore, it has been classified as a Variant of Uncertain Significance.

NM_001190274.2(FBXO11):c.756T>G (p.His252Gln)

Gene: FBXO11 (F-box protein 11; minus strand). Cytogenetic location: 2p16.3.
Variant type: single nucleotide variant.
Coding change: c.756T>G on transcript NM_001190274.2 (MANE Select); coding-DNA position 756, T replaced by G.
Protein change: p.His252Gln; replaces histidine 252 with glutamine.
Molecular consequence: missense variant.
Genome position (GRCh38, 1-based): chr2:47,834,833, A>C on the plus strand (T>G on the coding strand, the complement: FBXO11 is on the minus strand). VCF-style: chr2-47834833-A-C. GRCh37 (hg19) VCF-style: chr2-48061972-A-C.
Other names: c.504T>G, p.His168Gln (NM_001374325.1, NM_025133.4); short protein forms H168Q, H252Q.
Identifiers: ClinVar variation 1448470 (VCV001448470.6), dbSNP rs1672429962, ClinGen allele CA346812036.